The following is an entry in ClinVar:

ClinVar aggregate classification (germline): Uncertain significance (1 of 4 stars; one submission).

gnomAD v4.1: 28 of 1,613,632 alleles (0.0017%); highest among the groups gnomAD compares: Non-Finnish European, 0.0023%; no homozygotes.

Submission:

Women's Health and Genetics/Laboratory Corporation of America, LabCorp
Classification: Uncertain significance. Last evaluated: 2026-04-08. Review status: criteria provided, single submitter. Criteria: LabCorp Variant Classification Summary - May 2015. Collection method: clinical testing. Allele origin: germline.
Comment: Variant summary: COPG1 c.1520C>A (p.Pro507His) results in a non-conservative amino acid change in the encoded protein sequence. Algorithms developed to predict the effect of missense changes on protein structure and function are either unavailable or do not agree on the potential impact of this missense change. The variant allele was found at a frequency of 2.8e-05 in 251460 control chromosomes. The available data on variant occurrences in the general population are insufficient to allow any conclusion about variant significance. To our knowledge, no occurrence of c.1520C>A in individuals affected with COPG1-related conditions and no experimental evidence demonstrating its impact on protein function have been reported. No submitters have cited clinical-significance assessments for this variant to ClinVar. Based on the evidence outlined above, the variant was classified as uncertain significance.

NM_016128.4(COPG1):c.1520C>A (p.Pro507His)

Gene: COPG1 (coat protein complex I subunit gamma 1; plus strand). Cytogenetic location: 3q21.3.
Variant type: single nucleotide variant.
Coding change: c.1520C>A on transcript NM_016128.4 (MANE Select); coding-DNA position 1520, C replaced by A.
Protein change: p.Pro507His; replaces proline 507 with histidine.
Molecular consequence: missense variant.
Genome position (GRCh38, 1-based): chr3:129,267,075, C>A. VCF-style: chr3-129267075-C-A. GRCh37 (hg19) VCF-style: chr3-128985918-C-A.
Other names: short protein forms P507H.
Identifiers: ClinVar variation 4848754 (VCV004848754.1).